The following is an entry in ClinVar:

NM_173851.3(SLC30A8):c.973C>T (p.Arg325Trp)

Gene: SLC30A8 (solute carrier family 30 member 8; plus strand). Cytogenetic location: 8q24.11.
Variant type: single nucleotide variant.
Coding change: c.973C>T on transcript NM_173851.3 (MANE Select); coding-DNA position 973, C replaced by T.
Protein change: p.Arg325Trp; replaces arginine 325 with tryptophan.
Molecular consequence: missense variant.
Genome position (GRCh38, 1-based): chr8:117,172,544, C>T. VCF-style: chr8-117172544-C-T. GRCh37 (hg19) VCF-style: chr8-118184783-C-T.
Other names: c.973C>T (NM_173851.2); c.826C>T, p.Arg276Trp (NM_001172811.2, NM_001172813.2, NM_001172814.2 and 1 more transcripts); short protein forms R325W, R276W.
Identifiers: ClinVar variation 1000 (VCV000001000.6), dbSNP rs13266634, ClinGen allele CA114706.

ClinVar aggregate classification (germline): Benign; risk factor. Review status: no assertion criteria provided (0 of 4 stars). 2 submissions from 2 submitters: Benign (1). Last evaluated 2019-10-21.

Conditions:
SLC30A8-related disorder. Also called: SLC30A8-related condition.
Diabetes mellitus type 2, susceptibility to. Identifiers: MedGen C3837967.

Allele frequency attached by ClinVar (database versions not stated): TOPMed 0.23418; 1000 Genomes Project 0.25519; ExAC 0.28489; gnomAD exomes 0.28777 and 0.30112; 1000 Genomes Project 30x 0.24656; gnomAD 0.26559.
gnomAD v4.1: 476,906 of 1,613,268 alleles (30%); highest among the groups gnomAD compares: East Asian, 43%; 73,380 homozygotes.

Submissions (2):

PreventionGenetics, part of Exact Sciences
Classification: Benign for SLC30A8-related condition. Last evaluated: 2019-10-21. Review status: no assertion criteria provided. Collection method: clinical testing. Allele origin: germline.
Comment: This variant is classified as benign based on ACMG/AMP sequence variant interpretation guidelines (Richards et al. 2015 PMID: 25741868, with internal and published modifications).

OMIM
Classification: risk factor for TYPE 2 DIABETES MELLITUS, SUSCEPTIBILITY TO. Last evaluated: 2007-06-01. Review status: no assertion criteria provided. Collection method: literature only. Allele origin: germline.

Literature cited by the submitters: PubMed 17293876 (cited by OMIM); PubMed 17463246 (cited by OMIM); PubMed 17463249 (cited by OMIM); PubMed 17463248 (cited by OMIM); PubMed 17460697 (cited by OMIM); PubMed 31676859 (cited by OMIM).